The following is an entry in ClinVar:

NM_000182.5(HADHA):c.453+1G>A

Gene: HADHA (hydroxyacyl-CoA dehydrogenase trifunctional multienzyme complex subunit alpha; minus strand). Cytogenetic location: 2p23.3.
Variant type: single nucleotide variant.
Coding change: c.453+1G>A on transcript NM_000182.5 (MANE Select); the canonical splice donor site of the intron after coding-DNA position 453, G replaced by A.
Molecular consequence: splice donor variant.
Genome position (GRCh38, 1-based): chr2:26,234,216, C>T on the plus strand (G>A on the coding strand, the complement: HADHA is on the minus strand). VCF-style: chr2-26234216-C-T. GRCh37 (hg19) VCF-style: chr2-26457084-C-T.
Identifiers: ClinVar variation 370347 (VCV000370347.10), dbSNP rs1057516417, ClinGen allele CA16040881.

ClinVar aggregate classification (germline): Likely pathogenic. Review status: criteria provided, single submitter (1 of 4 stars). 2 submissions from 2 submitters: Likely pathogenic (1). 1 of the submissions does not count toward it. Last evaluated 2023-10-04.

Conditions:
Long chain 3-hydroxyacyl-CoA dehydrogenase deficiency. Also called: Deficiency of long-chain 3-hydroxyacyl-coenzyme A dehydrogenase; LCHAD Deficiency. Identifiers: Orphanet 5, MedGen C3711645, MONDO:0012173, OMIM 609016.
Mitochondrial trifunctional protein deficiency. Identifiers: Orphanet 746, MedGen C1969443, MONDO:0012172.

Submissions (2):

Labcorp Genetics (formerly Invitae), Labcorp
Classification: Likely pathogenic for Mitochondrial trifunctional protein deficiency; Long chain 3-hydroxyacyl-CoA dehydrogenase deficiency. Last evaluated: 2023-10-04. Review status: criteria provided, single submitter. Criteria: Invitae Variant Classification Sherloc (09022015). Collection method: clinical testing. Allele origin: germline.
Comment: This sequence change affects a donor splice site in intron 5 of the HADHA gene. It is expected to disrupt RNA splicing. Variants that disrupt the donor or acceptor splice site typically lead to a loss of protein function (PMID: 16199547), and loss-of-function variants in HADHA are known to be pathogenic (PMID: 7738175, 21103935, 21549624, 22459206). This variant is not present in population databases (gnomAD no frequency). Disruption of this splice site has been observed in individual(s) with clinical features of HADHA-related conditions (PMID: 30682426, 35281663). ClinVar contains an entry for this variant (Variation ID: 370347). Algorithms developed to predict the effect of sequence changes on RNA splicing suggest that this variant may disrupt the consensus splice site. In summary, the currently available evidence indicates that the variant is pathogenic, but additional data are needed to prove that conclusively. Therefore, this variant has been classified as Likely Pathogenic.

Counsyl
Classification: Likely pathogenic for Long chain 3-hydroxyacyl-CoA dehydrogenase deficiency. Last evaluated: 2016-01-18. Review status: no assertion criteria provided. Collection method: clinical testing. Allele origin: unknown. Not counted in ClinVar's aggregate classification.

Literature cited by the submitters: PubMed 16199547 (cited by Labcorp Genetics (formerly Invitae), Labcorp); PubMed 7738175 (cited by Labcorp Genetics (formerly Invitae), Labcorp); PubMed 21103935 (cited by Labcorp Genetics (formerly Invitae), Labcorp); PubMed 21549624 (cited by Labcorp Genetics (formerly Invitae), Labcorp); PubMed 22459206 (cited by Labcorp Genetics (formerly Invitae), Labcorp); PubMed 30682426 (cited by Labcorp Genetics (formerly Invitae), Labcorp); PubMed 35281663 (cited by Labcorp Genetics (formerly Invitae), Labcorp).